The following is an entry in ClinVar:

NM_000135.4(FANCA):c.718C>G (p.Gln240Glu)

Gene: FANCA (FA complementation group A; minus strand). Cytogenetic location: 16q24.3.
Variant type: single nucleotide variant.
Coding change: c.718C>G on transcript NM_000135.4 (MANE Select); coding-DNA position 718, C replaced by G.
Protein change: p.Gln240Glu; replaces glutamine 240 with glutamic acid.
Molecular consequence: missense variant.
Genome position (GRCh38, 1-based): chr16:89,803,333, G>C on the plus strand (C>G on the coding strand, the complement: FANCA is on the minus strand). VCF-style: chr16-89803333-G-C. GRCh37 (hg19) VCF-style: chr16-89869741-G-C.
Other names: c.718C>G, p.Gln240Glu (NM_001018112.3, NM_001286167.3); c.622C>G, p.Gln208Glu (NM_001351830.2); short protein forms Q208E, Q240E.
Identifiers: ClinVar variation 965537 (VCV000965537.10), dbSNP rs1184639006, ClinGen allele CA397476452.

ClinVar aggregate classification (germline): Uncertain significance. Review status: criteria provided, multiple submitters, no conflicts (2 of 4 stars). 3 submissions from 3 submitters: Uncertain significance (2). 1 of the submissions does not count toward it. Last evaluated 2026-08-10.

Conditions:
Inborn genetic diseases. Identifiers: MedGen C0950123, MeSH D030342.
Fanconi anemia (FA). Also called: Fanconi's anemia. Identifiers: Orphanet 84, MedGen C0015625, MeSH D005199, MONDO:0019391.

Submissions (3):

Ambry Genetics
Classification: Uncertain significance for Inborn genetic diseases. Last evaluated: 2026-08-10. Review status: criteria provided, single submitter. Criteria: Ambry Variant Classification Scheme 2023. Collection method: clinical testing. Allele origin: germline.
Comment: The p.Q240E variant (also known as c.718C>G), located in coding exon 8 of the FANCA gene, results from a C to G substitution at nucleotide position 718. The glutamine at codon 240 is replaced by glutamic acid, an amino acid with highly similar properties. This amino acid position is conserved. In addition, this alteration is predicted to be tolerated by in silico analysis. Based on the available evidence, the clinical significance of this variant remains unclear.

Labcorp Genetics (formerly Invitae), Labcorp
Classification: Uncertain significance for Fanconi anemia. Last evaluated: 2021-08-13. Review status: criteria provided, single submitter. Criteria: Invitae Variant Classification Sherloc (09022015). Collection method: clinical testing. Allele origin: germline.
Comment: This sequence change replaces glutamine with glutamic acid at codon 240 of the FANCA protein (p.Gln240Glu). The glutamine residue is weakly conserved and there is a small physicochemical difference between glutamine and glutamic acid. This variant is not present in population databases (ExAC no frequency). This variant has not been reported in the literature in individuals affected with FANCA-related conditions. Algorithms developed to predict the effect of missense changes on protein structure and function output the following: SIFT: "Tolerated"; PolyPhen-2: "Benign"; Align-GVGD: "Class C0". The glutamic acid amino acid residue is found in multiple mammalian species, which suggests that this missense change does not adversely affect protein function. In summary, the available evidence is currently insufficient to determine the role of this variant in disease. Therefore, it has been classified as a Variant of Uncertain Significance.

Natera, Inc.
Classification: Uncertain significance for Fanconi anemia. Last evaluated: 2020-05-19. Review status: no assertion criteria provided. Collection method: clinical testing. Allele origin: germline. Not counted in ClinVar's aggregate classification.